The following is an entry in ClinVar:

NM_001023570.4(IQCB1):c.994C>T (p.Arg332Ter)

Gene: IQCB1 (IQ motif containing B1; minus strand). Cytogenetic location: 3q13.33.
Variant type: single nucleotide variant.
Coding change: c.994C>T on transcript NM_001023570.4 (MANE Select); coding-DNA position 994, C replaced by T.
Protein change: p.Arg332Ter; replaces arginine 332 with a stop codon.
Molecular consequence: nonsense. On other transcripts: non-coding transcript variant (1).
Genome position (GRCh38, 1-based): chr3:121,790,208, G>A on the plus strand (C>T on the coding strand, the complement: IQCB1 is on the minus strand). VCF-style: chr3-121790208-G-A. GRCh37 (hg19) VCF-style: chr3-121509055-G-A.
Other names: c.595C>T, p.Arg199Ter (NM_001023571.4); c.994C>T, p.Arg332Ter (NM_001319107.2); short protein forms R332*, R199*.
Identifiers: ClinVar variation 560468 (VCV000560468.12), dbSNP rs1189889920, ClinGen allele CA354117313.

ClinVar aggregate classification (germline): Pathogenic. Review status: criteria provided, multiple submitters, no conflicts (2 of 4 stars). 4 submissions from 4 submitters: Pathogenic (3). 1 of the submissions does not count toward it. Last evaluated 2024-03-09.

Conditions:
Nephronophthisis. Also called: Juvenile Nephronophthisis. Identifiers: Orphanet 655, MedGen C0687120, MONDO:0019005, HP:0000090.
Retinal dystrophy. Also called: Inherited retinal dystrophy. Identifiers: Orphanet 71862, MedGen C0854723, MeSH D058499, MONDO:0019118, HP:0000556.
Senior-Loken syndrome 5 (SLSN5). Identifiers: Orphanet 3156, MedGen C1836517, MONDO:0012225, OMIM 609254.

Allele frequency attached by ClinVar (database versions not stated): TOPMed 0.00001; gnomAD exomes below 0.00001; gnomAD 0.00001.
gnomAD v4.1: 6 of 1,613,280 alleles (0.00037%); highest among the groups gnomAD compares: Non-Finnish European, 0.00051%; no homozygotes.

Submissions (4):

Baylor Genetics
Classification: Pathogenic for Senior-Loken syndrome 5. Last evaluated: 2024-03-09. Review status: criteria provided, single submitter. Criteria: ACMG Guidelines, 2015. Collection method: clinical testing. Allele origin: unknown.

Labcorp Genetics (formerly Invitae), Labcorp
Classification: Pathogenic for Nephronophthisis. Last evaluated: 2023-05-08. Review status: criteria provided, single submitter. Criteria: Invitae Variant Classification Sherloc (09022015). Collection method: clinical testing. Allele origin: germline.
Comment: For these reasons, this variant has been classified as Pathogenic. ClinVar contains an entry for this variant (Variation ID: 560468). This premature translational stop signal has been observed in individual(s) with Leber congenital amaurosis and/or Senior-Loken syndrome (PMID: 15723066, 23661368, 29068479). This variant is not present in population databases (gnomAD no frequency). This sequence change creates a premature translational stop signal (p.Arg332*) in the IQCB1 gene. It is expected to result in an absent or disrupted protein product. Loss-of-function variants in IQCB1 are known to be pathogenic (PMID: 15723066, 21901789, 23559409, 28041643).

Juno Genomics, Hangzhou Juno Genomics, Inc
Classification: Pathogenic for Senior-Loken syndrome 5. Review status: criteria provided, single submitter. Criteria: ACMG Guidelines, 2015. Collection method: clinical testing. Allele origin: germline.
Comment: Absent from controls (or at extremely low frequency if recessive) in Genome Aggregation Database.;Null variant in a gene where loss of function (LOF) is a known mechanism of disease.;For recessive disorders, detected in trans with a pathogenic variant.

Joint Genome Diagnostic Labs from Nijmegen and Maastricht, Radboudumc and MUMC+
Classification: Pathogenic for Retinal dystrophy. Last evaluated: 2016-09-01. Review status: no assertion criteria provided. Collection method: clinical testing. Allele origin: inherited. Affected: yes. Observed: 1 variant allele. Not counted in ClinVar's aggregate classification.

Literature cited by the submitters: PubMed 15723066 (cited by Labcorp Genetics (formerly Invitae), Labcorp); PubMed 23661368 (cited by Labcorp Genetics (formerly Invitae), Labcorp); PubMed 29068479 (cited by Labcorp Genetics (formerly Invitae), Labcorp); PubMed 21901789 (cited by Labcorp Genetics (formerly Invitae), Labcorp); PubMed 23559409 (cited by Labcorp Genetics (formerly Invitae), Labcorp); PubMed 28041643 (cited by Labcorp Genetics (formerly Invitae), Labcorp).